The following is an entry in ClinVar:

ClinVar aggregate classification (germline): Uncertain significance. Review status: criteria provided, multiple submitters, no conflicts (2 of 4 stars). 3 submissions from 3 submitters: Uncertain significance (3). Last evaluated 2025-10-27.

Conditions:
HYPERHOMOCYSTEINEMIA, THROMBOTIC, CBS-RELATED. Identifiers: MedGen C3150344, OMIM 236200.
Familial thoracic aortic aneurysm and aortic dissection (TAAD). Also called: Thoracic aortic aneurysms and dissections. Identifiers: Orphanet 91387, MedGen C4707243, MONDO:0019625.

Submissions (3):

Women's Health and Genetics/Laboratory Corporation of America, LabCorp
Classification: Uncertain significance. Last evaluated: 2025-10-27. Review status: criteria provided, single submitter. Criteria: LabCorp Variant Classification Summary - May 2015. Collection method: clinical testing. Allele origin: germline.
Comment: Variant summary: CBS c.1467G>A (p.Gln489Gln) alters a conserved nucleotide located close to a canonical splice site and therefore could affect mRNA splicing, leading to a significantly altered protein sequence. Several computational tools predict a significant impact on normal splicing: Two predict the variant abolishes a canonical 5' splicing donor site and two predict the variant weakens this site. However, these predictions have yet to be confirmed by functional studies. The variant allele was found at a frequency of 4e-06 in 251260 control chromosomes (gnomAD). The available data on variant occurrences in the general population are insufficient to allow any conclusion about variant significance. To our knowledge, no occurrence of c.1467G>A in individuals affected with CBS-related conditions and no experimental evidence demonstrating its impact on protein function have been reported. ClinVar contains an entry for this variant (Variation ID: 1773281). Based on the evidence outlined above, the variant was classified as uncertain significance.

Labcorp Genetics (formerly Invitae), Labcorp
Classification: Uncertain significance for HYPERHOMOCYSTEINEMIA, THROMBOTIC, CBS-RELATED. Last evaluated: 2022-05-25. Review status: criteria provided, single submitter. Criteria: Invitae Variant Classification Sherloc (09022015). Collection method: clinical testing. Allele origin: germline.
Comment: This sequence change affects codon 489 of the CBS mRNA. It is a 'silent' change, meaning that it does not change the encoded amino acid sequence of the CBS protein. This variant also falls at the last nucleotide of exon 15, which is part of the consensus splice site for this exon. This variant is present in population databases (no rsID available, gnomAD 0.0009%). This variant has not been reported in the literature in individuals affected with CBS-related conditions. Variants that disrupt the consensus splice site are a relatively common cause of aberrant splicing (PMID: 17576681, 9536098). Algorithms developed to predict the effect of sequence changes on RNA splicing suggest that this variant may disrupt the consensus splice site. In summary, the available evidence is currently insufficient to determine the role of this variant in disease. Therefore, it has been classified as a Variant of Uncertain Significance.

Ambry Genetics
Classification: Uncertain significance for Familial thoracic aortic aneurysm and aortic dissection. Last evaluated: 2021-04-20. Review status: criteria provided, single submitter. Criteria: Ambry Variant Classification Scheme 2023. Collection method: clinical testing. Allele origin: germline.
Comment: The c.1467G>A variant (also known as p.Q489Q) is located in coding exon 13 of the CBS gene. This variant results from a G to A substitution at nucleotide position 1467 and is located in the cystathionine &beta;-synthase domain. This nucleotide substitution does not change the glutamine at codon 489. However, this change occurs in the last base pair of coding exon 13, which makes it likely to have some effect on normal mRNA splicing. One of the predicted consequences of this variant is a frameshift leading to a premature stop codon near the 3' terminus of theCBS gene, which is not expected to trigger nonsense-mediated mRNA decay, and only impacts the last 98 amino acids of the protein; however, direct evidence is unavailable. A number of structural and functional studies have suggested the integrity of the impacted region of the protein may be essential to the stability and normal function of the enzyme (Kery V et al. Arch Biochem Biophys, 1998 Jul;355:222-32; Janos&iacute;k M et al. Biochemistry, 2001 Sep;40:10625-33; Shan X et al. Hum Mol Genet, 2001 Mar;10:635-43; Scott JW et al. J Clin Invest, 2004 Jan;113:274-84; Evangelisti L et al. Int J Cardiol, 2009 May;134:251-4; Kozich V et al. Hum Mutat, 2010 Jul;31:809-19). Based on internal structural analysis, this variant is anticipated to result in a significant decrease in structural stability (Vicente JB et al. Oxid Med Cell Longev, 2017 Mar;2017:8940321; Ambry internal data); however, sufficient clinical evidence supporting pathogenicity of this alteration is not yet available. This nucleotide position is highly conserved in available vertebrate species. In silico splice site analysis predicts that this alteration will weaken the native splice donor site. Since supporting evidence is limited at this time, the clinical significance of this alteration remains unclear.

Literature cited by the submitters: PubMed 17576681 (cited by Labcorp Genetics (formerly Invitae), Labcorp); PubMed 9536098 (cited by Labcorp Genetics (formerly Invitae), Labcorp); PubMed 10338090 (cited by Ambry Genetics); PubMed 11230183 (cited by Ambry Genetics); PubMed 11524006 (cited by Ambry Genetics); PubMed 12007221 (cited by Ambry Genetics); PubMed 12124992 (cited by Ambry Genetics); PubMed 14722619 (cited by Ambry Genetics); PubMed 18280597 (cited by Ambry Genetics); PubMed 20506325 (cited by Ambry Genetics); PubMed 22612060 (cited by Ambry Genetics); PubMed 28421128 (cited by Ambry Genetics); PubMed 8755636 (cited by Ambry Genetics); PubMed 9675031 (cited by Ambry Genetics).

NM_000071.3(CBS):c.1467G>A (p.Gln489=)

Gene: CBS (cystathionine beta-synthase; minus strand). Cytogenetic location: 21q22.3.
Variant type: single nucleotide variant.
Coding change: c.1467G>A on transcript NM_000071.3 (MANE Select); coding-DNA position 1467, G replaced by A.
Protein change: p.Gln489=; no amino-acid change (glutamine 489 retained).
Molecular consequence: synonymous variant.
Genome position (GRCh38, 1-based): chr21:43,058,145, C>T on the plus strand (G>A on the coding strand, the complement: CBS is on the minus strand). VCF-style: chr21-43058145-C-T. GRCh37 (hg19) VCF-style: chr21-44478255-C-T.
Other names: c.1467G>A, p.Gln489= (NM_001178008.3, NM_001178009.3, NM_001320298.2); c.1152G>A, p.Gln384= (NM_001321072.1).
Identifiers: ClinVar variation 1773281 (VCV001773281.5), dbSNP rs1465597809, ClinGen allele CA749577744.